The following is an entry in ClinVar:

NM_022552.5(DNMT3A):c.448+48C>G

Gene: DNMT3A (DNA methyltransferase 3 alpha; minus strand). Cytogenetic location: 2p23.3.
Variant type: single nucleotide variant.
Coding change: c.448+48C>G on transcript NM_022552.5 (MANE Select); 48 bases into the intron after coding-DNA position 448, C replaced by G.
Molecular consequence: intron variant. On other transcripts: missense variant (2).
Genome position (GRCh38, 1-based): chr2:25,282,393, G>C on the plus strand (C>G on the coding strand, the complement: DNMT3A is on the minus strand). VCF-style: chr2-25282393-G-C. GRCh37 (hg19) VCF-style: chr2-25505262-G-C.
Other names: c.496C>G (NM_001320892.1); c.496C>G, p.Pro166Ala (NM_001320892.2, NM_175630.1); c.448+48C>G (NM_175629.2); short protein forms P166A.
Identifiers: ClinVar variation 2306266 (VCV002306266.4), dbSNP rs778675092, ClinGen allele CA43726280.
Genomic context (GRCh38, chr2:25,282,393, plus strand): 5'-GCCACGACCCAGACCATCCTTCCTGGGACCTGCTGGAGAGCCAAGTCCCTGACTCTCAGG[G>C]TATGCTGGTGGGCCCAGAAGAGGCTGCCCCTGGTGCTGAGGACTCACCCGCTTCTGCAGG-3'

ClinVar aggregate classification (germline): Uncertain significance. Review status: criteria provided, multiple submitters, no conflicts (2 of 4 stars). 2 submissions from 2 submitters: Uncertain significance (2). Last evaluated 2025-03-03.

Conditions:
Inborn genetic diseases. Identifiers: MedGen C0950123, MeSH D030342.
DNMT3A-related disorder. Also called: DNMT3A-related disorders; DNMT3A-related condition.

gnomAD v4.1: 23 of 1,589,898 alleles (0.0014%); highest among the groups gnomAD compares: Non-Finnish European, 0.0019%; no homozygotes.

Submissions (2):

PreventionGenetics, part of Exact Sciences
Classification: Uncertain significance for DNMT3A-related condition. Last evaluated: 2025-03-03. Review status: criteria provided, single submitter. Criteria: ACMG Guidelines, 2015. Collection method: clinical testing. Allele origin: germline.
Comment: The DNMT3A c.496C>G variant is predicted to result in the amino acid substitution p.Pro166Ala. To our knowledge, this variant has not been reported in the literature or in a large population database (gnomAD), indicating this variant is rare. At this time, the clinical significance of this variant is uncertain due to the absence of conclusive functional and genetic evidence.

Ambry Genetics
Classification: Uncertain significance for Inborn genetic diseases. Last evaluated: 2022-08-26. Review status: criteria provided, single submitter. Criteria: Ambry Variant Classification Scheme 2023. Collection method: clinical testing. Allele origin: germline.